The following is an entry in ClinVar:

NM_005591.4(MRE11):c.544+5G>T

Gene: MRE11 (MRE11 double strand break repair nuclease; minus strand). Cytogenetic location: 11q21.
Variant type: single nucleotide variant.
Coding change: c.544+5G>T on transcript NM_005591.4 (MANE Select); 5 bases into the intron after coding-DNA position 544, G replaced by T.
Molecular consequence: intron variant.
Genome position (GRCh38, 1-based): chr11:94,478,730, C>A on the plus strand (G>T on the coding strand, the complement: MRE11 is on the minus strand). VCF-style: chr11-94478730-C-A. GRCh37 (hg19) VCF-style: chr11-94211896-C-A.
Other names: c.544+5G>T (NM_001330347.2, NM_005590.4).
Identifiers: ClinVar variation 230612 (VCV000230612.14), dbSNP rs564688936, ClinGen allele CA6235377.

ClinVar aggregate classification (germline): Uncertain significance. Review status: criteria provided, multiple submitters, no conflicts (2 of 4 stars). 3 submissions from 3 submitters: Uncertain significance (3). Last evaluated 2025-09-16.

Conditions:
Hereditary cancer-predisposing syndrome. Also called: Neoplastic Syndromes, Hereditary; Tumor predisposition; Hereditary Cancer Syndrome; Hereditary neoplastic syndrome. Identifiers: Orphanet 140162, MedGen C0027672, MeSH D009386, MONDO:0015356.
Ataxia-telangiectasia-like disorder (ATLD). Identifiers: MedGen C1858391, MONDO:0011457.

Allele frequency attached by ClinVar (database versions not stated): TOPMed below 0.00001; ExAC 0.00001; gnomAD 0.00001; gnomAD exomes 0.00001; 1000 Genomes Project 30x 0.00016; 1000 Genomes Project 0.00020.
gnomAD v4.1: 5 of 1,611,850 alleles (0.00031%); highest among the groups gnomAD compares: East Asian, 0.0067%; no homozygotes.

Submissions (3):

Labcorp Genetics (formerly Invitae), Labcorp
Classification: Uncertain significance for Ataxia-telangiectasia-like disorder. Last evaluated: 2025-09-16. Review status: criteria provided, single submitter. Criteria: Invitae Variant Classification Sherloc (09022015). Collection method: clinical testing. Allele origin: germline.
Comment: This sequence change falls in intron 6 of the MRE11 gene. It does not directly change the encoded amino acid sequence of the MRE11 protein. It affects a nucleotide within the consensus splice site. This variant is present in population databases (rs564688936, gnomAD 0.006%). This variant has not been reported in the literature in individuals affected with MRE11-related conditions. ClinVar contains an entry for this variant (Variation ID: 230612). Variants that disrupt the consensus splice site are a relatively common cause of aberrant splicing (PMID: 17576681, 9536098). Algorithms developed to predict the effect of sequence changes on RNA splicing suggest that this variant is not likely to affect RNA splicing. In summary, the available evidence is currently insufficient to determine the role of this variant in disease. Therefore, it has been classified as a Variant of Uncertain Significance.

Quest Diagnostics Nichols Institute San Juan Capistrano
Classification: Uncertain significance. Last evaluated: 2025-05-02. Review status: criteria provided, single submitter. Criteria: Quest Diagnostics criteria. Collection method: clinical testing. Allele origin: unknown.

Ambry Genetics
Classification: Uncertain significance for Hereditary cancer-predisposing syndrome. Last evaluated: 2023-09-01. Review status: criteria provided, single submitter. Criteria: Ambry Variant Classification Scheme 2023. Collection method: clinical testing. Allele origin: germline.
Comment: The c.544+5G>T intronic variant results from a G to T substitution 5 nucleotides after coding exon 5 in the MRE11A gene. This nucleotide position is highly conserved in available vertebrate species. In silico splice site analysis predicts that this alteration will not have any significant effect on splicing. Since supporting evidence is limited at this time, the clinical significance of this alteration remains unclear.

Literature cited by the submitters: PubMed 17576681 (cited by Labcorp Genetics (formerly Invitae), Labcorp); PubMed 9536098 (cited by Labcorp Genetics (formerly Invitae), Labcorp).